The following is an entry in ClinVar:

NM_000089.4(COL1A2):c.1086G>A (p.Glu362=)

Gene: COL1A2 (collagen type I alpha 2 chain; plus strand). Cytogenetic location: 7q21.3.
Variant type: single nucleotide variant.
Coding change: c.1086G>A on transcript NM_000089.4 (MANE Select); coding-DNA position 1086, G replaced by A.
Protein change: p.Glu362=; no amino-acid change (glutamic acid 362 retained).
Molecular consequence: synonymous variant.
Genome position (GRCh38, 1-based): chr7:94,410,292, G>A. VCF-style: chr7-94410292-G-A. GRCh37 (hg19) VCF-style: chr7-94039604-G-A.
Identifiers: ClinVar variation 772935 (VCV000772935.54), dbSNP rs200284501, ClinGen allele CA4346928.

ClinVar aggregate classification (germline): Likely benign. Review status: criteria provided, multiple submitters, no conflicts (2 of 4 stars). 6 submissions from 6 submitters: Likely benign (5). 1 of the submissions does not count toward it. Last evaluated 2025-06-01.

Conditions:
Cardiovascular phenotype. Identifiers: MedGen CN230736.
COL1A2-related disorder. Also called: COL1A2-related condition; COL1A2-Related Disorders.
Osteogenesis imperfecta type I (OI1). Also called: OI, TYPE I; OSTEOGENESIS IMPERFECTA TARDA; OSTEOGENESIS IMPERFECTA WITH BLUE SCLERAE; Lobstein disease; Classic Non-deforming Osteogenesis Imperfecta with Blue Sclerae; Osteogenesis imperfecta type 1. Identifiers: Orphanet 216796, Orphanet 666, MedGen C0023931, MONDO:0008146, OMIM 166200. Disease mechanism: loss of function.
Ehlers-Danlos syndrome, classic type, 1 (EDSCL1). Also called: EHLERS-DANLOS SYNDROME, GRAVIS TYPE; EHLERS-DANLOS SYNDROME, SEVERE CLASSIC TYPE; EDS I; Ehlers-Danlos Syndrome, Classic Type, COL5A1-Related; Ehlers-Danlos syndrome, type 1. Identifiers: MedGen C0268335, MONDO:0019567, OMIM 130000.

Allele frequency attached by ClinVar (database versions not stated): TOPMed 0.00005; gnomAD 0.00006; ExAC 0.00010; gnomAD exomes 0.00010 and 0.00012.
gnomAD v4.1: 188 of 1,613,982 alleles (0.012%); highest among the groups gnomAD compares: Middle Eastern, 0.15%; no homozygotes.

Submissions (6):

CeGaT Center for Human Genetics Tuebingen
Classification: Likely benign. Last evaluated: 2025-06-01. Review status: criteria provided, single submitter. Criteria: CeGaT Center For Human Genetics Tuebingen Variant Classification Criteria Version 2. Collection method: clinical testing. Allele origin: germline. Affected: yes. Observed: 3 variant alleles.
Comment: COL1A2: BP4, BP7

Labcorp Genetics (formerly Invitae), Labcorp
Classification: Likely benign for Osteogenesis imperfecta type I; Ehlers-Danlos syndrome, classic type, 1. Last evaluated: 2025-02-10. Review status: criteria provided, single submitter. Criteria: Invitae Variant Classification Sherloc (09022015). Collection method: clinical testing. Allele origin: germline.

Blueprint Genetics
Classification: Likely benign. Last evaluated: 2024-04-03. Review status: criteria provided, single submitter. Criteria: ACMG Guidelines, 2015. Collection method: clinical testing. Allele origin: germline.

Ambry Genetics
Classification: Likely benign for Cardiovascular phenotype. Last evaluated: 2023-03-03. Review status: criteria provided, single submitter. Criteria: Ambry Variant Classification Scheme 2023. Collection method: clinical testing. Allele origin: germline.

GeneDx
Classification: Likely benign. Last evaluated: 2020-06-08. Review status: criteria provided, single submitter. Criteria: GeneDx Variant Classification Process June 2021. Collection method: clinical testing. Allele origin: germline. Affected: yes.

PreventionGenetics, part of Exact Sciences
Classification: Likely benign for COL1A2-related condition. Last evaluated: 2020-02-20. Review status: no assertion criteria provided. Collection method: clinical testing. Allele origin: germline. Not counted in ClinVar's aggregate classification.
Comment: This variant is classified as likely benign based on ACMG/AMP sequence variant interpretation guidelines (Richards et al. 2015 PMID: 25741868, with internal and published modifications).